The following is an entry in ClinVar:

ClinVar aggregate classification (germline): Likely benign. Review status: criteria provided, single submitter (1 of 4 stars). 2 submissions from 2 submitters: Likely benign (1). 1 of the submissions does not count toward it. Last evaluated 2025-06-12.

Conditions:
LAMA5-related disorder. Also called: LAMA5-Related Disorders; LAMA5-related condition.

Allele frequency attached by ClinVar (database versions not stated): gnomAD exomes 0.00007; ESP Exome Variant Server 0.00008; ExAC 0.00002; TOPMed 0.00004; gnomAD 0.00005.
gnomAD v4.1: 112 of 1,613,234 alleles (0.0069%); highest among the groups gnomAD compares: Non-Finnish European, 0.0086%; no homozygotes.

Submissions (2):

Labcorp Genetics (formerly Invitae), Labcorp
Classification: Likely benign. Last evaluated: 2025-06-12. Review status: criteria provided, single submitter. Criteria: Invitae Variant Classification Sherloc (09022015). Collection method: clinical testing. Allele origin: germline.

PreventionGenetics, part of Exact Sciences
Classification: Likely benign for LAMA5-related condition. Last evaluated: 2019-07-28. Review status: no assertion criteria provided. Collection method: clinical testing. Allele origin: germline. Not counted in ClinVar's aggregate classification.
Comment: This variant is classified as likely benign based on ACMG/AMP sequence variant interpretation guidelines (Richards et al. 2015 PMID: 25741868, with internal and published modifications).

NM_005560.6(LAMA5):c.8460C>T (p.Ile2820=)

Gene: LAMA5 (laminin subunit alpha 5; minus strand). Cytogenetic location: 20q13.33.
Variant type: single nucleotide variant.
Coding change: c.8460C>T on transcript NM_005560.6 (MANE Select); coding-DNA position 8460, C replaced by T.
Protein change: p.Ile2820=; no amino-acid change (isoleucine 2820 retained).
Molecular consequence: synonymous variant.
Genome position (GRCh38, 1-based): chr20:62,314,348, G>A on the plus strand (C>T on the coding strand, the complement: LAMA5 is on the minus strand). VCF-style: chr20-62314348-G-A. GRCh37 (hg19) VCF-style: chr20-60889404-G-A.
Identifiers: ClinVar variation 3034678 (VCV003034678.4), dbSNP rs377471638, ClinGen allele CA9940711.